The following is an entry in ClinVar:

NM_014806.5(RUSC2):c.4385G>A (p.Gly1462Asp)

Gene: RUSC2 (RUN and SH3 domain containing 2; plus strand). Cytogenetic location: 9p13.3.
Variant type: single nucleotide variant.
Coding change: c.4385G>A on transcript NM_014806.5 (MANE Select); coding-DNA position 4385, G replaced by A.
Protein change: p.Gly1462Asp; replaces glycine 1462 with aspartic acid.
Molecular consequence: missense variant. On other transcripts: non-coding transcript variant (1).
Genome position (GRCh38, 1-based): chr9:35,561,216, G>A. VCF-style: chr9-35561216-G-A. GRCh37 (hg19) VCF-style: chr9-35561213-G-A.
Other names: c.4385G>A, p.Gly1462Asp (NM_001135999.2); c.1751G>A, p.Gly584Asp (NM_001330740.2); short protein forms G1462D, G584D.
Identifiers: ClinVar variation 1363714 (VCV001363714.3), dbSNP rs755010633, ClinGen allele CA5044393.

ClinVar aggregate classification (germline): Uncertain significance (1 of 4 stars; one submission).

Allele frequency attached by ClinVar (database versions not stated): ExAC 0.00002.
gnomAD v4.1: 18 of 1,614,160 alleles (0.0011%); highest among the groups gnomAD compares: East Asian, 0.027%; no homozygotes.

Submission:

Labcorp Genetics (formerly Invitae), Labcorp
Classification: Uncertain significance. Last evaluated: 2022-03-19. Review status: criteria provided, single submitter. Criteria: Invitae Variant Classification Sherloc (09022015). Collection method: clinical testing. Allele origin: germline.
Comment: This sequence change replaces glycine, which is neutral and non-polar, with aspartic acid, which is acidic and polar, at codon 1462 of the RUSC2 protein (p.Gly1462Asp). This variant is present in population databases (rs755010633, gnomAD 0.05%). This variant has not been reported in the literature in individuals affected with RUSC2-related conditions. Algorithms developed to predict the effect of missense changes on protein structure and function are either unavailable or do not agree on the potential impact of this missense change (SIFT: "Tolerated"; PolyPhen-2: "Probably Damaging"; Align-GVGD: "Class C0"). In summary, the available evidence is currently insufficient to determine the role of this variant in disease. Therefore, it has been classified as a Variant of Uncertain Significance.